The following is an entry in ClinVar:

NM_004859.4(CLTC):c.1368+4C>T

Gene: CLTC (clathrin heavy chain; plus strand). Cytogenetic location: 17q23.1.
Variant type: single nucleotide variant.
Coding change: c.1368+4C>T on transcript NM_004859.4 (MANE Select); 4 bases into the intron after coding-DNA position 1368, C replaced by T.
Molecular consequence: intron variant.
Genome position (GRCh38, 1-based): chr17:59,661,647, C>T. VCF-style: chr17-59661647-C-T. GRCh37 (hg19) VCF-style: chr17-57739008-C-T.
Other names: c.1380+4C>T (NM_001288653.2).
Identifiers: ClinVar variation 1440043 (VCV001440043.6), dbSNP rs1212549384, ClinGen allele CA773621088.

ClinVar aggregate classification (germline): Uncertain significance (1 of 4 stars; one submission).

Allele frequency attached by ClinVar (database versions not stated): gnomAD exomes 0.00001; TOPMed 0.00001.
gnomAD v4.1: 10 of 1,612,694 alleles (0.00062%); highest among the groups gnomAD compares: African/African-American, 0.0013%; no homozygotes.

Submission:

Labcorp Genetics (formerly Invitae), Labcorp
Classification: Uncertain significance. Last evaluated: 2025-11-06. Review status: criteria provided, single submitter. Criteria: Invitae Variant Classification Sherloc (09022015). Collection method: clinical testing. Allele origin: germline.
Comment: This sequence change falls in intron 8 of the CLTC gene. It does not directly change the encoded amino acid sequence of the CLTC protein. It affects a nucleotide within the consensus splice site. This variant is not present in population databases (gnomAD no frequency). This variant has not been reported in the literature in individuals affected with CLTC-related conditions. ClinVar contains an entry for this variant (Variation ID: 1440043). Variants that disrupt the consensus splice site are a relatively common cause of aberrant splicing (PMID: 17576681, 9536098). Algorithms developed to predict the effect of sequence changes on RNA splicing suggest that this variant is not likely to affect RNA splicing. In summary, the available evidence is currently insufficient to determine the role of this variant in disease. Therefore, it has been classified as a Variant of Uncertain Significance.

Literature cited by the submitters: PubMed 17576681; PubMed 9536098.